The following is an entry in ClinVar:

ClinVar aggregate classification (germline): Uncertain significance (1 of 4 stars; one submission).

Submission:

GeneDx
Classification: Uncertain significance. Last evaluated: 2023-03-13. Review status: criteria provided, single submitter. Criteria: GeneDx Variant Classification Process June 2021. Collection method: clinical testing. Allele origin: germline. Affected: yes.
Comment: Initiation codon variant in a gene for which loss of function is a known mechanism of disease; however a downstream Met is observed and functional data is not available to determine whether this variant is disruptive in this transcript; Not observed at significant frequency in large population cohorts (gnomAD); Has not been previously published as pathogenic or benign to our knowledge

NM_006940.6(SOX5):c.3G>A (p.Met1Ile)

Gene: SOX5 (SRY-box transcription factor 5; minus strand). Cytogenetic location: 12p12.1.
Variant type: single nucleotide variant.
Coding change: c.3G>A on transcript NM_006940.6 (MANE Select); coding-DNA position 3, G replaced by A.
Protein change: p.Met1Ile; changes the start codon (methionine 1).
Molecular consequence: missense variant, initiator codon variant. On other transcripts: intron variant (3).
Genome position (GRCh38, 1-based): chr12:23,949,599, C>T on the plus strand (G>A on the coding strand, the complement: SOX5 is on the minus strand). VCF-style: chr12-23949599-C-T. GRCh37 (hg19) VCF-style: chr12-24102533-C-T.
Other names: c.3G>A, p.Met1Ile (NM_001330785.2); c.-1-53575G>A (NM_152989.5, NM_001261414.3); c.8+1270G>A (NM_001261415.3); short protein forms M1I.
Identifiers: ClinVar variation 2444597 (VCV002444597.2), dbSNP rs2507733454, ClinGen allele CA384321304.